The following is an entry in ClinVar:

NM_021120.4(DLG3):c.1145+639del

Gene: DLG3 (discs large MAGUK scaffold protein 3; plus strand). Cytogenetic location: Xq13.1.
Variant type: Deletion.
Coding change: c.1145+639del on transcript NM_021120.4 (MANE Select); 639 bases into the intron after coding-DNA position 1145, one base deleted (G; older notation c.1145+639delG).
Molecular consequence: intron variant. On other transcripts: frameshift variant (1).
Genome position (GRCh38, 1-based): chrX:70,452,665, G deleted; the last of 3 consecutive G bases (chrX:70,452,663-70,452,665); deleting any one gives the same sequence. VCF-style (leftmost placement, unchanged base first): chrX-70452662-TG-T. GRCh37 (hg19) VCF-style: chrX-69672512-TG-T.
Other names: c.44del, p.Gly15fs (NM_020730.3); short protein forms G15fs.
Identifiers: ClinVar variation 3600800 (VCV003600800.1).
Genomic context (GRCh38, chrX:70,452,662, plus strand): 5'-AGGGGAGAGAGAGAGGAGCTATGGAGAGGGCCCGCAAGTTCTCGGGCTCCGGCTTGGCCA[TG>T]GGCTTGGGCTCCGCCTCCGCTTCGGCCTGGAGGAGGGCTTCGCAGAGGTGGGCCTGGCCG-3'

ClinVar aggregate classification (germline): Uncertain significance (1 of 4 stars; one submission).

Submission:

GeneDx
Classification: Uncertain significance. Last evaluated: 2024-07-22. Review status: criteria provided, single submitter. Criteria: GeneDx Variant Classification Process June 2021. Collection method: clinical testing. Allele origin: germline. Affected: yes.
Comment: Not observed at significant frequency in large population cohorts (gnomAD); Frameshift variant predicted to result in protein truncation or nonsense mediated decay in an alternate transcript in which loss of function is not a well-established mechanism of disease; Has not been previously published as pathogenic or benign to our knowledge; Reported using an alternate transcript of the gene